The following is an entry in ClinVar:

ClinVar aggregate classification (germline): Pathogenic (1 of 4 stars; one submission).

Conditions:
Hereditary cancer-predisposing syndrome. Also called: Tumor predisposition; Hereditary Cancer Syndrome; Hereditary neoplastic syndrome; Neoplastic Syndromes, Hereditary. Identifiers: Orphanet 140162, MedGen C0027672, MeSH D009386, MONDO:0015356.

Submission:

Ambry Genetics
Classification: Pathogenic for Hereditary cancer-predisposing syndrome. Last evaluated: 2025-10-10. Review status: criteria provided, single submitter. Criteria: Ambry Variant Classification Scheme 2023. Collection method: clinical testing. Allele origin: germline.
Comment: The c.623_632dup10 variant, located in coding exon 5 of the STK11 gene, results from a duplication of ACACCTGCCG at nucleotide position 623, causing a translational frameshift with a predicted alternate stop codon (p.T212Hfs*57). This variant was reported in individual(s) with features consistent with Peutz-Jeghers syndrome (Ambry internal data). This variant is considered to be rare based on population cohorts in the Genome Aggregation Database (gnomAD). This alteration is expected to result in loss of function by premature protein truncation or nonsense-mediated mRNA decay. As such, this alteration is interpreted as a disease-causing mutation.

NM_000455.5(STK11):c.623_632dup (p.Thr212fs)

Gene: STK11 (serine/threonine kinase 11; plus strand). Cytogenetic location: 19p13.3.
Variant type: Duplication.
Coding change: c.623_632dup on transcript NM_000455.5 (MANE Select); coding-DNA positions 623 to 632, 10 bases duplicated (ACACCTGCCG; older notation c.623_632dupACACCTGCCG).
Protein change: p.Thr212fs; shifts the reading frame from threonine 212.
Molecular consequence: frameshift variant. On other transcripts: non-coding transcript variant (1).
Genome position (GRCh38, 1-based): chr19:1,220,606-1,220,615, ACACCTGCCG duplicated; duplicating any 10 consecutive bases within chr19:1,220,604-1,220,615 gives the same sequence; the c. name uses the placement nearest the transcript's 3' end. VCF-style (leftmost placement, unchanged base first): chr19-1220603-A-ACGACACCTGC. GRCh37 (hg19) VCF-style: chr19-1220602-A-ACGACACCTGC.
Other names: c.623_632dupACACCTGCCG (NM_000455.4); c.623_632dup, p.Thr212fs (NM_001407255.1); short protein forms T212fs.
Identifiers: ClinVar variation 4551256 (VCV004551256.1).
Genomic context (GRCh38, chr19:1,220,603, plus strand): 5'-CCCGGGCACTCCCTGAGGGCTGCACGGCACCGCCACAGGCACTGCACCCGTTCGCGGCGG[A>ACGACACCTGC]CGACACCTGCCGGACCAGCCAGGGCTCCCCGGCTTTCCAGCCGCCCGAGATTGCCAACGG-3'